The following is an entry in ClinVar:

NM_001040108.2(MLH3):c.1957C>G (p.Pro653Ala)

Gene: MLH3 (mutL homolog 3; minus strand). Cytogenetic location: 14q24.3.
Variant type: single nucleotide variant.
Coding change: c.1957C>G on transcript NM_001040108.2 (MANE Select); coding-DNA position 1957, C replaced by G.
Protein change: p.Pro653Ala; replaces proline 653 with alanine.
Molecular consequence: missense variant.
Genome position (GRCh38, 1-based): chr14:75,047,699, G>C on the plus strand (C>G on the coding strand, the complement: MLH3 is on the minus strand). VCF-style: chr14-75047699-G-C. GRCh37 (hg19) VCF-style: chr14-75514402-G-C.
Other names: c.1957C>G, p.Pro653Ala (NM_014381.3); short protein forms P653A.
Identifiers: ClinVar variation 3873510 (VCV003873510.1).
Genomic context (GRCh38, chr14:75,047,699, plus strand): 5'-TTTTGTTGGGCAATTGACCAGATTCTTTACTTAAAGTGCTGGCTAAATCTTTGATGTCTG[G>C]AGTTTCAACTGAATGACGTGTTCTATTTCCAAATGTTTCTTGGGCACGTGTGGGACCAGG-3'
Protein context (NP_001035197.1, residues 643-663): GNRTRHSVET[Pro653Ala]DIKDLASTLS

ClinVar aggregate classification (germline): Uncertain significance (1 of 4 stars; one submission).

Submission:

Ambry Genetics
Classification: Uncertain significance. Last evaluated: 2025-02-02. Review status: criteria provided, single submitter. Criteria: Ambry Variant Classification Scheme 2023. Collection method: clinical testing. Allele origin: germline.
Comment: The p.P653A variant (also known as c.1957C>G), located in coding exon 1 of the MLH3 gene, results from a C to G substitution at nucleotide position 1957. The proline at codon 653 is replaced by alanine, an amino acid with highly similar properties. This amino acid position is conserved. In addition, this alteration is predicted to be tolerated by in silico analysis. Based on the available evidence, the clinical significance of this variant remains unclear.